The following is an entry in ClinVar:

ClinVar aggregate classification (germline): Uncertain significance. Review status: criteria provided, multiple submitters, no conflicts (2 of 4 stars). 2 submissions from 2 submitters: Uncertain significance (2). Last evaluated 2022-12-06.

Conditions:
Congenital myasthenic syndrome 8. Also called: MYASTHENIC SYNDROME, CONGENITAL, DUE TO AGRIN DEFICIENCY; Myasthenic syndrome, congenital, 8, with pre- and postsynaptic defects. Identifiers: Orphanet 590, MedGen C3808739, MONDO:0014052, OMIM 615120.

gnomAD v4.1: 9 of 1,572,830 alleles (0.00057%); highest among the groups gnomAD compares: East Asian, 0.021%; no homozygotes.

Submissions (2):

Labcorp Genetics (formerly Invitae), Labcorp
Classification: Uncertain significance for Congenital myasthenic syndrome 8. Last evaluated: 2022-12-06. Review status: criteria provided, single submitter. Criteria: Invitae Variant Classification Sherloc (09022015). Collection method: clinical testing. Allele origin: germline.
Comment: In summary, the available evidence is currently insufficient to determine the role of this variant in disease. Therefore, it has been classified as a Variant of Uncertain Significance. Algorithms developed to predict the effect of missense changes on protein structure and function (SIFT, PolyPhen-2, Align-GVGD) all suggest that this variant is likely to be tolerated. ClinVar contains an entry for this variant (Variation ID: 1311342). This variant has not been reported in the literature in individuals affected with AGRN-related conditions. This variant is present in population databases (rs542631667, gnomAD 0.03%). This sequence change replaces arginine, which is basic and polar, with leucine, which is neutral and non-polar, at codon 1278 of the AGRN protein (p.Arg1278Leu).

GeneDx
Classification: Uncertain significance. Last evaluated: 2019-12-23. Review status: criteria provided, single submitter. Criteria: GeneDx Variant Classification Process June 2021. Collection method: clinical testing. Allele origin: germline. Affected: yes.
Comment: In silico analysis, which includes protein predictors and evolutionary conservation, supports that this variant does not alter protein structure/function; Has not been previously published as pathogenic or benign to our knowledge

NM_198576.4(AGRN):c.3833G>T (p.Arg1278Leu)

Gene: AGRN (agrin; plus strand). Cytogenetic location: 1p36.33.
Variant type: single nucleotide variant.
Coding change: c.3833G>T on transcript NM_198576.4 (MANE Select); coding-DNA position 3833, G replaced by T.
Protein change: p.Arg1278Leu; replaces arginine 1278 with leucine.
Molecular consequence: missense variant.
Genome position (GRCh38, 1-based): chr1:1,048,093, G>T. VCF-style: chr1-1048093-G-T. GRCh37 (hg19) VCF-style: chr1-983473-G-T.
Other names: c.3833G>T, p.Arg1278Leu (NM_001305275.2); c.3518G>T, p.Arg1173Leu (NM_001364727.2); short protein forms R1173L, R1278L.
Identifiers: ClinVar variation 1311342 (VCV001311342.9), dbSNP rs542631667, ClinGen allele CA509254.